The following is an entry in ClinVar:

ClinVar aggregate classification (germline): Likely pathogenic (1 of 4 stars; one submission).

Conditions:
Ornithine carbamoyltransferase deficiency (OTCD). Also called: ORNITHINE TRANSCARBAMYLASE DEFICIENCY; Ornithine Carbamoyltransferase Deficiency Disease; OTC DEFICIENCY; ORNITHINE TRANSCARBAMYLASE DEFICIENCY, HYPERAMMONEMIA DUE TO. Identifiers: Orphanet 664, MedGen C0268542, MONDO:0010703, OMIM 311250.

Submission:

3billion
Classification: Likely pathogenic for Ornithine carbamoyltransferase deficiency. Last evaluated: 2025-10-25. Review status: criteria provided, single submitter. Criteria: ACMG Guidelines, 2015. Collection method: clinical testing. Allele origin: germline. Affected: yes.
Comment: The variant is not observed in the gnomAD v4.1.0 dataset. Predicted Consequence/Location: Stop-gained (nonsense): predicted to result in a loss or disruption of normal protein function through nonsense-mediated decay (NMD) or protein truncation. Multiple pathogenic variants are reported downstream of the variant. Therefore, this variant is classified as Likely pathogenic according to the recommendation of ACMG/AMP guideline.

NM_000531.6(OTC):c.911T>A (p.Leu304Ter)

Gene: OTC (ornithine transcarbamylase; plus strand). Cytogenetic location: Xp11.4.
Variant type: single nucleotide variant.
Coding change: c.911T>A on transcript NM_000531.6 (MANE Select); coding-DNA position 911, T replaced by A.
Protein change: p.Leu304Ter; replaces leucine 304 with a stop codon.
Molecular consequence: nonsense.
Genome position (GRCh38, 1-based): chrX:38,411,905, T>A. VCF-style: chrX-38411905-T-A. GRCh37 (hg19) VCF-style: chrX-38271158-T-A.
Other names: c.911T>A, p.Leu304Ter (NM_001407092.1); short protein forms L304*.
Identifiers: ClinVar variation 4855296 (VCV004855296.1).